The following is an entry in ClinVar:

ClinVar aggregate classification (germline): Uncertain significance (1 of 4 stars; one submission).

gnomAD v4.1: 1 of 1,614,230 alleles (0.000062%); highest among the groups gnomAD compares: Non-Finnish European, 0.000085%; no homozygotes.

Submission:

Labcorp Genetics (formerly Invitae), Labcorp
Classification: Uncertain significance. Last evaluated: 2025-09-15. Review status: criteria provided, single submitter. Criteria: Invitae Variant Classification Sherloc (09022015). Collection method: clinical testing. Allele origin: germline.
Comment: This sequence change replaces lysine, which is basic and polar, with asparagine, which is neutral and polar, at codon 715 of the FLNB protein (p.Lys715Asn). This variant is not present in population databases (gnomAD no frequency). This variant has not been reported in the literature in individuals affected with FLNB-related conditions. ClinVar contains an entry for this variant (Variation ID: 3635704). Invitae Evidence Modeling of protein sequence and biophysical properties (such as structural, functional, and spatial information, amino acid conservation, physicochemical variation, residue mobility, and thermodynamic stability) indicates that this missense variant is not expected to disrupt FLNB protein function with a negative predictive value of 95%. In summary, the available evidence is currently insufficient to determine the role of this variant in disease. Therefore, it has been classified as a Variant of Uncertain Significance.

NM_001457.4(FLNB):c.2145G>T (p.Lys715Asn)

Gene: FLNB (filamin B; plus strand). Cytogenetic location: 3p14.3.
Variant type: single nucleotide variant.
Coding change: c.2145G>T on transcript NM_001457.4 (MANE Select); coding-DNA position 2145, G replaced by T.
Protein change: p.Lys715Asn; replaces lysine 715 with asparagine.
Molecular consequence: missense variant.
Genome position (GRCh38, 1-based): chr3:58,109,268, G>T. VCF-style: chr3-58109268-G-T. GRCh37 (hg19) VCF-style: chr3-58094995-G-T.
Other names: c.2145G>T, p.Lys715Asn (NM_001164317.2, NM_001164318.2, NM_001164319.2); short protein forms K715N.
Identifiers: ClinVar variation 3635704 (VCV003635704.2).